The following is an entry in ClinVar:

ClinVar aggregate classification (germline): Uncertain significance (1 of 4 stars; one submission).

Conditions:
Inborn genetic diseases. Identifiers: MedGen C0950123, MeSH D030342.

gnomAD v4.1: 2 of 1,614,008 alleles (0.00012%); highest among the groups gnomAD compares: African/African-American, 0.0013%; no homozygotes.

Submission:

Ambry Genetics
Classification: Uncertain significance for Inborn genetic diseases. Last evaluated: 2025-07-06. Review status: criteria provided, single submitter. Criteria: Ambry Variant Classification Scheme 2023. Collection method: clinical testing. Allele origin: germline.
Comment: The p.V38A variant (also known as c.113T>C), located in coding exon 2 of the CEP57 gene, results from a T to C substitution at nucleotide position 113. The valine at codon 38 is replaced by alanine, an amino acid with similar properties. This amino acid position is conserved. In addition, this alteration is predicted to be tolerated by in silico analysis. Based on the available evidence, the clinical significance of this variant remains unclear.

NM_014679.5(CEP57):c.113T>C (p.Val38Ala)

Gene: CEP57 (centrosomal protein 57; plus strand). Cytogenetic location: 11q21.
Variant type: single nucleotide variant.
Coding change: c.113T>C on transcript NM_014679.5 (MANE Select); coding-DNA position 113, T replaced by C.
Protein change: p.Val38Ala; replaces valine 38 with alanine.
Molecular consequence: missense variant.
Genome position (GRCh38, 1-based): chr11:95,799,299, T>C. VCF-style: chr11-95799299-T-C. GRCh37 (hg19) VCF-style: chr11-95532463-T-C.
Other names: c.113T>C, p.Val38Ala (NM_001440871.1, NM_001440872.1, NM_001440873.1 and 6 more transcripts); c.32T>C, p.Val11Ala (NM_001440875.1, NM_001440877.1, NM_001440878.1 and 4 more transcripts); c.86T>C, p.Val29Ala (NM_001243776.2); short protein forms V11A, V29A, V38A.
Identifiers: ClinVar variation 4226342 (VCV004226342.1).